The following is an entry in ClinVar:

NM_000465.4(BARD1):c.1304C>T (p.Ala435Val)

Gene: BARD1 (BRCA1 associated RING domain 1; minus strand). Cytogenetic location: 2q35.
Variant type: single nucleotide variant.
Coding change: c.1304C>T on transcript NM_000465.4 (MANE Select); coding-DNA position 1304, C replaced by T.
Protein change: p.Ala435Val; replaces alanine 435 with valine.
Molecular consequence: missense variant. On other transcripts: non-coding transcript variant (2), intron variant (3).
Genome position (GRCh38, 1-based): chr2:214,780,570, G>A on the plus strand (C>T on the coding strand, the complement: BARD1 is on the minus strand). VCF-style: chr2-214780570-G-A. GRCh37 (hg19) VCF-style: chr2-215645294-G-A.
Other names: c.1247C>T, p.Ala416Val (NM_001282543.2); c.159-28015C>T (NM_001282548.2); c.215+16491C>T (NM_001282545.2); c.364+11727C>T (NM_001282549.2); short protein forms A416V, A435V.
Identifiers: ClinVar variation 650515 (VCV000650515.15), dbSNP rs1574815873, ClinGen allele CA350453229.
Genomic context (GRCh38, chr2:214,780,570, plus strand): 5'-CTTTATAGTTGGCCTCATTCTGAGATGGTATTTCAGAGTAAGCATCCTACCTTAATAGAA[G>A]CAATATGGAGCAAAGTCTCTCCTCTATGATTTCTTTTCACAGCCATATTGGGCAACAGCT-3'
Protein context (NP_000456.2, residues 425-445): NHRGETLLHI[Ala435Val]SIKGDIPSVE

ClinVar aggregate classification (germline): Uncertain significance. Review status: criteria provided, multiple submitters, no conflicts (2 of 4 stars). 3 submissions from 3 submitters: Uncertain significance (3). Last evaluated 2024-08-01.

Conditions:
Familial cancer of breast. Also called: hereditary breast carcinoma; Hereditary breast cancer; BREAST CANCER, FAMILIAL. Identifiers: Orphanet 227535, MedGen C0346153, MONDO:0016419, OMIM 114480. Disease mechanism: loss of function.
Hereditary cancer-predisposing syndrome. Also called: Neoplastic Syndromes, Hereditary; Tumor predisposition; Hereditary Cancer Syndrome; Hereditary neoplastic syndrome. Identifiers: Orphanet 140162, MedGen C0027672, MeSH D009386, MONDO:0015356.

Allele frequency attached by ClinVar (database versions not stated): gnomAD exomes below 0.00001; TOPMed 0.00001.
gnomAD v4.1: 2 of 1,613,548 alleles (0.00012%); highest among the groups gnomAD compares: African/African-American, 0.0027%; no homozygotes.

Submissions (3):

Labcorp Genetics (formerly Invitae), Labcorp
Classification: Uncertain significance for Familial cancer of breast. Last evaluated: 2024-08-01. Review status: criteria provided, single submitter. Criteria: Invitae Variant Classification Sherloc (09022015). Collection method: clinical testing. Allele origin: germline.
Comment: This sequence change replaces alanine, which is neutral and non-polar, with valine, which is neutral and non-polar, at codon 435 of the BARD1 protein (p.Ala435Val). This variant is not present in population databases (gnomAD no frequency). This variant has not been reported in the literature in individuals affected with BARD1-related conditions. ClinVar contains an entry for this variant (Variation ID: 650515). An algorithm developed to predict the effect of missense changes on protein structure and function (PolyPhen-2) suggests that this variant is likely to be disruptive. In summary, the available evidence is currently insufficient to determine the role of this variant in disease. Therefore, it has been classified as a Variant of Uncertain Significance.

Baylor Genetics
Classification: Uncertain significance for Familial cancer of breast. Last evaluated: 2024-02-20. Review status: criteria provided, single submitter. Criteria: ACMG Guidelines, 2015. Collection method: clinical testing. Allele origin: unknown.

Ambry Genetics
Classification: Uncertain significance for Hereditary cancer-predisposing syndrome. Last evaluated: 2023-07-12. Review status: criteria provided, single submitter. Criteria: Ambry Variant Classification Scheme 2023. Collection method: clinical testing. Allele origin: germline.
Comment: The p.A435V variant (also known as c.1304C>T), located in coding exon 4 of the BARD1 gene, results from a C to T substitution at nucleotide position 1304. The alanine at codon 435 is replaced by valine, an amino acid with similar properties. This amino acid position is highly conserved in available vertebrate species. In addition, this alteration is predicted to be deleterious by in silico analysis. Since supporting evidence is limited at this time, the clinical significance of this alteration remains unclear.